The following is an entry in ClinVar:

ClinVar aggregate classification (germline): Pathogenic (1 of 4 stars; one submission).

Submission:

Labcorp Genetics (formerly Invitae), Labcorp
Classification: Pathogenic. Last evaluated: 2022-01-11. Review status: criteria provided, single submitter. Criteria: Invitae Variant Classification Sherloc (09022015). Collection method: clinical testing. Allele origin: germline.
Comment: This sequence change creates a premature translational stop signal (p.Tyr410*) in the ERCC2 gene. It is expected to result in an absent or disrupted protein product. Loss-of-function variants in ERCC2 are known to be pathogenic (PMID: 9238033, 11335038, 19085937, 19934020). This variant is not present in population databases (gnomAD no frequency). This variant has not been reported in the literature in individuals affected with ERCC2-related conditions. For these reasons, this variant has been classified as Pathogenic.

Literature cited by the submitters: PubMed 9238033; PubMed 11335038; PubMed 19085937; PubMed 19934020.

NM_000400.4(ERCC2):c.1230C>A (p.Tyr410Ter)

Gene: ERCC2 (ERCC excision repair 2, TFIIH core complex helicase subunit; minus strand). Cytogenetic location: 19q13.32.
Variant type: single nucleotide variant.
Coding change: c.1230C>A on transcript NM_000400.4 (MANE Select); coding-DNA position 1230, C replaced by A.
Protein change: p.Tyr410Ter; replaces tyrosine 410 with a stop codon.
Molecular consequence: nonsense.
Genome position (GRCh38, 1-based): chr19:45,361,531, G>T on the plus strand (C>A on the coding strand, the complement: ERCC2 is on the minus strand). VCF-style: chr19-45361531-G-T. GRCh37 (hg19) VCF-style: chr19-45864789-G-T.
Other names: c.1158C>A, p.Tyr386Ter (NM_001130867.2); short protein forms Y386*, Y410*.
Identifiers: ClinVar variation 2079745 (VCV002079745.4), dbSNP rs142184249, ClinGen allele CA406369794.